The following is an entry in ClinVar:

ClinVar aggregate classification (germline): Pathogenic (1 of 4 stars; one submission).

Conditions:
Granulomatous disease, chronic, autosomal recessive, cytochrome b-negative. Also called: GRANULOMATOUS DISEASE, CHRONIC, AUTOSOMAL RECESSIVE, 4; CGD DUE TO DEFICIENCY OF THE ALPHA SUBUNIT OF CYTOCHROME b; CGD, AUTOSOMAL RECESSIVE CYTOCHROME b-NEGATIVE; CYBA DEFICIENCY; Chronic granulomatous disease, autosomal, due to deficiency of CYBA. Identifiers: Orphanet 379, MedGen C1856255, MONDO:0009308, OMIM 233690.

Submission:

Myriad Genetics, Inc.
Classification: Pathogenic for Granulomatous disease, chronic, autosomal recessive, cytochrome b-negative. Last evaluated: 2026-04-30. Review status: criteria provided, single submitter. Criteria: Myriad Autosomal Dominant, Autosomal Recessive and X-Linked Classification Criteria (2023). Collection method: clinical testing. Allele origin: unknown.
Comment: NM_000101.3(CYBA):c.393delG(W131*) is a nonsense variant classified as pathogenic in the context of chronic granulomatous disease, CYBA-related. W131* has not been observed in cases with relevant disease. Relevant functional assessments of this variant are not available in the literature. W131* has not been observed in referenced population frequency databases. In summary, NM_000101.3(CYBA):c.393delG(W131*) is a nonsense variant in a gene where loss of function is a known mechanism of disease and is predicted to disrupt protein function. Please note: this variant was assessed in the context of healthy population screening.

NM_000101.4(CYBA):c.393del (p.Gln130_Trp131insTer)

Gene: CYBA (cytochrome b-245 alpha chain; minus strand). Cytogenetic location: 16q24.2.
Variant type: Deletion.
Coding change: c.393del on transcript NM_000101.4 (MANE Select); coding-DNA position 393, one base deleted (G; older notation c.393delG).
Protein change: p.Gln130_Trp131insTer.
Molecular consequence: nonsense.
Genome position (GRCh38, 1-based): chr16:88,643,548, C deleted on the plus strand (G on the coding strand, the reverse complement: CYBA is on the minus strand); the first of 2 consecutive C bases (chr16:88,643,548-88,643,549); deleting either gives the same sequence. VCF-style (leftmost placement, unchanged base first): chr16-88643547-TC-T. GRCh37 (hg19) VCF-style: chr16-88709955-TC-T.
Identifiers: ClinVar variation 5003770 (VCV005003770.1).